The following is an entry in ClinVar:

NM_002230.4(JUP):c.2179G>A (p.Asp727Asn)

Gene: JUP (junction plakoglobin; minus strand). Cytogenetic location: 17q21.2.
Variant type: single nucleotide variant.
Coding change: c.2179G>A on transcript NM_002230.4 (MANE Select); coding-DNA position 2179, G replaced by A.
Protein change: p.Asp727Asn; replaces aspartic acid 727 with asparagine.
Molecular consequence: missense variant.
Genome position (GRCh38, 1-based): chr17:41,755,803, C>T on the plus strand (G>A on the coding strand, the complement: JUP is on the minus strand). VCF-style: chr17-41755803-C-T. GRCh37 (hg19) VCF-style: chr17-39912055-C-T.
Other names: c.2179G>A, p.Asp727Asn (NM_001352773.2, NM_001352774.2, NM_001352775.2 and 3 more transcripts); short protein forms D727N.
Identifiers: ClinVar variation 518649 (VCV000518649.18), dbSNP rs1285789744, ClinGen allele CA399490403.

ClinVar aggregate classification (germline): Conflicting classifications of pathogenicity. Review status: criteria provided, conflicting classifications (1 of 4 stars). 5 submissions from 5 submitters: Uncertain significance (3); Benign (1); Likely benign (1). Last evaluated 2026-06-08.

Conditions:
Cardiovascular phenotype. Identifiers: MedGen CN230736.
Arrhythmogenic right ventricular dysplasia 12. Also called: ARRHYTHMOGENIC RIGHT VENTRICULAR DYSPLASIA, FAMILIAL, 12. Identifiers: MedGen C1969081, MONDO:0012684, OMIM 611528.
Naxos disease (NXD). Also called: PALMOPLANTAR KERATODERMA WITH ARRHYTHMOGENIC RIGHT VENTRICULAR CARDIOMYOPATHY AND WOOLLY HAIR; CARDIOMYOPATHY, ARRHYTHMOGENIC RIGHT VENTRICULAR, WITH SKIN, HAIR, AND NAIL ABNORMALITIES; KERATOSIS PALMOPLANTARIS WITH ARRHYTHMOGENIC CARDIOMYOPATHY; MAL DE NAXOS; WOOLLY HAIR, PALMOPLANTAR KERATODERMA, AND CARDIAC ABNORMALITIES. Identifiers: Orphanet 34217, MedGen C1832600, MONDO:0011017, OMIM 601214.

Allele frequency attached by ClinVar (database versions not stated): gnomAD 0.00001; gnomAD exomes 0.00002 and 0.00003; TOPMed 0.00004.
gnomAD v4.1: 24 of 1,612,854 alleles (0.0015%); highest among the groups gnomAD compares: Admixed American, 0.027%; no homozygotes.

Submissions (5):

Women's Health and Genetics/Laboratory Corporation of America, LabCorp
Classification: Uncertain significance. Last evaluated: 2026-06-08. Review status: criteria provided, single submitter. Criteria: LabCorp Variant Classification Summary - May 2015. Collection method: clinical testing. Allele origin: germline.

Labcorp Genetics (formerly Invitae), Labcorp
Classification: Uncertain significance for Arrhythmogenic right ventricular dysplasia 12; Naxos disease. Last evaluated: 2025-06-06. Review status: criteria provided, single submitter. Criteria: Invitae Variant Classification Sherloc (09022015). Collection method: clinical testing. Allele origin: germline.
Comment: This sequence change replaces aspartic acid, which is acidic and polar, with asparagine, which is neutral and polar, at codon 727 of the JUP protein (p.Asp727Asn). This variant is present in population databases (no rsID available, gnomAD 0.02%). This missense change has been observed in individual(s) with hypertrophic cardiomyopathy (PMID: 25351510). ClinVar contains an entry for this variant (Variation ID: 518649). An algorithm developed to predict the effect of missense changes on protein structure and function (PolyPhen-2) suggests that this variant is likely to be tolerated. In summary, the available evidence is currently insufficient to determine the role of this variant in disease. Therefore, it has been classified as a Variant of Uncertain Significance.

Ambry Genetics
Classification: Benign for Cardiovascular phenotype. Last evaluated: 2024-05-03. Review status: criteria provided, single submitter. Criteria: Ambry Variant Classification Scheme 2023. Collection method: clinical testing. Allele origin: germline.

Blueprint Genetics
Classification: Uncertain significance. Last evaluated: 2024-04-29. Review status: criteria provided, single submitter. Criteria: ACMG Guidelines, 2015. Collection method: clinical testing. Allele origin: germline.

GeneDx
Classification: Likely benign. Last evaluated: 2020-12-29. Review status: criteria provided, single submitter. Criteria: GeneDx Variant Classification Process June 2021. Collection method: clinical testing. Allele origin: germline. Affected: yes.
Comment: Reported as a variant of uncertain significance by two other clinical laboratories in ClinVar but additional evidence is not available (ClinVar Variant ID# 518649; Landrum et al., 2016); In silico analysis supports that this missense variant does not alter protein structure/function; Identified in one individual with hypertrophic cardiomyopathy (HCM); however, detailed clinical information was not provided (Lopes et al., 2015); This variant is associated with the following publications: (PMID: 25351510)

Literature cited by the submitters: PubMed 25351510 (cited by Labcorp Genetics (formerly Invitae), Labcorp and Ambry Genetics).